The following is an entry in ClinVar:

NM_013275.6(ANKRD11):c.6620C>G (p.Pro2207Arg)

Gene: ANKRD11 (ankyrin repeat domain 11; minus strand). Cytogenetic location: 16q24.3.
Variant type: single nucleotide variant.
Coding change: c.6620C>G on transcript NM_013275.6 (MANE Select); coding-DNA position 6620, C replaced by G.
Protein change: p.Pro2207Arg; replaces proline 2207 with arginine.
Molecular consequence: missense variant.
Genome position (GRCh38, 1-based): chr16:89,279,922, G>C on the plus strand (C>G on the coding strand, the complement: ANKRD11 is on the minus strand). VCF-style: chr16-89279922-G-C. GRCh37 (hg19) VCF-style: chr16-89346330-G-C.
Other names: c.6620C>G, p.Pro2207Arg (NM_001256182.2, NM_001256183.2); short protein forms P2207R.
Identifiers: ClinVar variation 4853743 (VCV004853743.1).

ClinVar aggregate classification (germline): Uncertain significance (1 of 4 stars; one submission).

gnomAD v4.1: 2 of 1,609,996 alleles (0.00012%); highest among the groups gnomAD compares: Admixed American, 0.0017%; no homozygotes.

Submission:

Women's Health and Genetics/Laboratory Corporation of America, LabCorp
Classification: Uncertain significance. Last evaluated: 2026-05-21. Review status: criteria provided, single submitter. Criteria: LabCorp Variant Classification Summary - May 2015. Collection method: clinical testing. Allele origin: germline.
Comment: Variant summary: ANKRD11 c.6620C>G (p.Pro2207Arg) results in a non-conservative amino acid change in the encoded protein sequence. Algorithms developed to predict the effect of missense changes on protein structure and function are either unavailable or do not agree on the potential impact of this missense change. The variant was absent in 237484 control chromosomes. The available data on variant occurrences in the general population are insufficient to allow any conclusion about variant significance. To our knowledge, no occurrence of c.6620C>G in individuals affected with ANKRD11-related conditions and no experimental evidence demonstrating its impact on protein function have been reported. No submitters have cited clinical-significance assessments for this variant to ClinVar. Based on the evidence outlined above, the variant was classified as uncertain significance.